The following is an entry in ClinVar:

ClinVar aggregate classification (germline): Conflicting classifications of pathogenicity. Review status: criteria provided, conflicting classifications (1 of 4 stars). 6 submissions from 6 submitters: Uncertain significance (5); Likely benign (1). Last evaluated 2025-07-03.

Conditions:
TTN-related disorder. Also called: TTN-related condition; TTN-related disease; TTN-related disorders.
Autosomal recessive limb-girdle muscular dystrophy type 2J (LGMDR10). Also called: Limb-girdle muscular dystrophy, type 2J; MUSCULAR DYSTROPHY, LIMB-GIRDLE, AUTOSOMAL RECESSIVE 10. Identifiers: Orphanet 140922, MedGen C1837342, MONDO:0012127, OMIM 608807.
Dilated cardiomyopathy 1G (CMD1G). Identifiers: Orphanet 154, MedGen C1858763, MONDO:0011400, OMIM 604145.
Cardiovascular phenotype. Identifiers: MedGen CN230736.

Allele frequency attached by ClinVar (database versions not stated): gnomAD 0.00001; gnomAD exomes 0.00002 and 0.00004; TOPMed 0.00004; ExAC 0.00011.
gnomAD v4.1: 14 of 1,571,782 alleles (0.00089%); highest among the groups gnomAD compares: Admixed American, 0.026%; no homozygotes.

Submissions (6):

PreventionGenetics, part of Exact Sciences
Classification: Uncertain significance for TTN-related condition. Last evaluated: 2025-07-03. Review status: criteria provided, single submitter. Criteria: ACMG Guidelines, 2015. Collection method: clinical testing. Allele origin: germline.
Comment: The TTN c.47758A>C variant is predicted to result in the amino acid substitution p.Lys15920Gln. To our knowledge, this variant has not been reported in the literature. This variant is reported in 0.036% of alleles in individuals of Latino descent in gnomAD. At this time, the clinical significance of this variant is uncertain due to the absence of conclusive functional and genetic evidence.

GeneDx
Classification: Likely benign. Last evaluated: 2020-02-19. Review status: criteria provided, single submitter. Criteria: GeneDx Variant Classification Process June 2021. Collection method: clinical testing. Allele origin: germline. Affected: yes.

Stanford Center for Inherited Cardiovascular Disease, Stanford University
Classification: Uncertain significance. Last evaluated: 2018-02-05. Review status: criteria provided, single submitter. Criteria: ACMG Guidelines, 2015. Collection method: provider interpretation. Allele origin: germline.

Labcorp Genetics (formerly Invitae), Labcorp
Classification: Uncertain significance for Dilated cardiomyopathy 1G; Autosomal recessive limb-girdle muscular dystrophy type 2J. Last evaluated: 2017-12-24. Review status: criteria provided, single submitter. Criteria: Invitae Variant Classification Sherloc (09022015). Collection method: clinical testing. Allele origin: germline.
Comment: This sequence change replaces lysine with glutamine at codon 15920 of the TTN protein (p.Lys15920Gln). There is a small physicochemical difference between lysine and glutamine. This variant is present in population databases (rs775513269, ExAC 0.2%). This variant has not been reported in the literature in individuals with TTN-related disease. This variant identified in the TTN gene is located in the A band of the resulting protein (PMID: 25589632). It is unclear how this variant impacts the function of this protein. The glutamine amino acid residue is found in multiple mammalian species, suggesting that this missense change does not adversely affect protein function. These predictions have not been confirmed by published functional studies and their clinical significance is uncertain. Algorithms developed to predict the effect of sequence changes on RNA splicing suggest that this variant may create or strengthen a splice site, but this prediction has not been confirmed by published transcriptional studies. In summary, the available evidence is currently insufficient to determine the role of this variant in disease. Therefore, it has been classified as a Variant of Uncertain Significance.

Ambry Genetics
Classification: Uncertain significance for Cardiovascular phenotype. Last evaluated: 2017-06-16. Review status: criteria provided, single submitter. Criteria: Ambry Variant Classification Scheme 2023. Collection method: clinical testing. Allele origin: germline.
Comment: The p.K6855Q variant (also known as c.20563A>C), located in coding exon 81 of the TTN gene, results from an A to C substitution at nucleotide position 20563. The lysine at codon 6855 is replaced by glutamine, an amino acid with similar properties. This amino acid position is highly conserved in available vertebrate species. In addition, this alteration is predicted to be tolerated by in silico analysis. Since supporting evidence is limited at this time, the clinical significance of this alteration remains unclear.

Athena Diagnostics
Classification: Uncertain significance. Last evaluated: 2016-12-29. Review status: criteria provided, single submitter. Criteria: Athena Diagnostics Criteria. Collection method: clinical testing. Allele origin: germline.

Literature cited by the submitters: PubMed 25589632 (cited by Labcorp Genetics (formerly Invitae), Labcorp).

NM_001267550.2(TTN):c.47758A>C (p.Lys15920Gln)

Genes: TTN (titin; minus strand), TTN-AS1 (TTN antisense RNA 1; plus strand). Cytogenetic location: 2q31.2.
Variant type: single nucleotide variant.
Coding change: c.47758A>C on transcript NM_001267550.2 (MANE Select); coding-DNA position 47758, A replaced by C.
Protein change: p.Lys15920Gln; replaces lysine 15920 with glutamine.
Molecular consequence: missense variant.
Genome position (GRCh38, 1-based): chr2:178,617,327, T>G on the plus strand (A>C on the coding strand, the complement: TTN is on the minus strand). VCF-style: chr2-178617327-T-G. GRCh37 (hg19) VCF-style: chr2-179482054-T-G.
Other names: c.47758A>C (LRG_391t1); c.42835A>C, p.Lys14279Gln (NM_001256850.1); c.20563A>C, p.Lys6855Gln (NM_003319.4); c.40054A>C, p.Lys13352Gln (NM_133378.4); c.20938A>C, p.Lys6980Gln (NM_133432.3); c.21139A>C, p.Lys7047Gln (NM_133437.4); short protein forms K15920Q, K6855Q, K13352Q, K7047Q, K14279Q, K6980Q.
Identifiers: ClinVar variation 448799 (VCV000448799.13), dbSNP rs775513269, ClinGen allele CA1994992.
Genomic context (GRCh38, chr2:178,617,327, plus strand): 5'-CATACAGTTATGTCCATGATCCACATTGAATATTCTTTTTTATATGCAAATGACCTACCT[T>G]GTAAGTCAGTTCAGGGACAAGTTTCATATTGCAACGAATCCAATTATCTTTTCCTTCTTC-3'
Protein context (NP_001254479.2, residues 15910-15930): NMKLVPELTY[Lys15920Gln]VTGLEKGNKY